The following is an entry in ClinVar:

ClinVar aggregate classification (germline): Uncertain significance (1 of 4 stars; one submission).

Submission:

CeGaT Center for Human Genetics Tuebingen
Classification: Uncertain significance. Last evaluated: 2025-05-01. Review status: criteria provided, single submitter. Criteria: CeGaT Center For Human Genetics Tuebingen Variant Classification Criteria Version 2. Collection method: clinical testing. Allele origin: germline. Affected: yes. Observed: 1 variant allele.
Comment: GABRB3: PM2, PP2, BP4

NM_021912.5(GABRB3):c.25C>A (p.Leu9Met)

Gene: GABRB3 (gamma-aminobutyric acid type A receptor subunit beta3; minus strand). Cytogenetic location: 15q12.
Variant type: single nucleotide variant.
Coding change: c.25C>A on transcript NM_021912.5; coding-DNA position 25, C replaced by A.
Protein change: p.Leu9Met; replaces leucine 9 with methionine.
Molecular consequence: missense variant.
Genome position (GRCh38, 1-based): chr15:26,773,700, G>T on the plus strand (C>A on the coding strand, the complement: GABRB3 is on the minus strand). VCF-style: chr15-26773700-G-T. GRCh37 (hg19) VCF-style: chr15-27018847-G-T.
Other names: short protein forms L9M.
Identifiers: ClinVar variation 3389962 (VCV003389962.14).